The following is an entry in ClinVar:

NM_000238.4(KCNH2):c.47A>G (p.Asp16Gly)

Gene: KCNH2 (potassium voltage-gated channel subfamily H member 2; minus strand). Cytogenetic location: 7q36.1.
Variant type: single nucleotide variant.
Coding change: c.47A>G on transcript NM_000238.4 (MANE Select); coding-DNA position 47, A replaced by G.
Protein change: p.Asp16Gly; replaces aspartic acid 16 with glycine.
Molecular consequence: missense variant. On other transcripts: non-coding transcript variant (1).
Genome position (GRCh38, 1-based): chr7:150,977,867, T>C on the plus strand (A>G on the coding strand, the complement: KCNH2 is on the minus strand). VCF-style: chr7-150977867-T-C. GRCh37 (hg19) VCF-style: chr7-150674955-T-C.
Other names: c.47A>G, p.Asp16Gly (NM_172056.3); short protein forms D16G.
Identifiers: ClinVar variation 2567288 (VCV002567288.6), dbSNP rs199472825, ClinGen allele CA369866692.

ClinVar aggregate classification (germline): Uncertain significance. Review status: criteria provided, multiple submitters, no conflicts (2 of 4 stars). 3 submissions from 3 submitters: Uncertain significance (3). Last evaluated 2024-06-09.

Conditions:
Cardiovascular phenotype. Identifiers: MedGen CN230736.
Long QT syndrome (LQTS). Identifiers: MedGen C0023976, MeSH D008133, MONDO:0002442. Disease mechanism: loss of function. Inheritance: Various modes of inheritance.

Submissions (3):

All of Us Research Program, National Institutes of Health
Classification: Uncertain significance for Long QT syndrome. Last evaluated: 2024-06-09. Review status: criteria provided, single submitter. Criteria: ACMG Guidelines, 2015. Collection method: clinical testing. Allele origin: germline. Inheritance: Autosomal dominant inheritance. Observed: 1 variant allele, 1 heterozygote.
Comment: This missense variant replaces aspartic acid with glycine at codon 16 of the KCNH2 protein. Computational prediction is inconclusive regarding the impact of this variant on protein structure and function (internally defined REVEL score threshold 0.5 < inconclusive < 0.7, PMID: 27666373). To our knowledge, functional studies have not been reported for this variant. This variant has not been reported in individuals affected with KCNH2-related disorders in the literature. This variant has not been identified in the general population by the Genome Aggregation Database (gnomAD). The available evidence is insufficient to determine the role of this variant in disease conclusively. Therefore, this variant is classified as a Variant of Uncertain Significance.

This study involves interpretation of variants in research participants for the purpose of population health screening. Participant phenotype was not available at the time of variant classification. Additional details can be found in publication PMID: 35346344, PMCID: PMC8962531

Labcorp Genetics (formerly Invitae), Labcorp
Classification: Uncertain significance for Long QT syndrome. Last evaluated: 2023-05-30. Review status: criteria provided, single submitter. Criteria: Invitae Variant Classification Sherloc (09022015). Collection method: clinical testing. Allele origin: germline.
Comment: In summary, the available evidence is currently insufficient to determine the role of this variant in disease. Therefore, it has been classified as a Variant of Uncertain Significance. An algorithm developed to predict the effect of missense changes on protein structure and function (PolyPhen-2) suggests that this variant is likely to be tolerated. This missense change has been observed in individual(s) with clinical features of KCNH2-related conditions (Invitae). This variant is not present in population databases (gnomAD no frequency). This sequence change replaces aspartic acid, which is acidic and polar, with glycine, which is neutral and non-polar, at codon 16 of the KCNH2 protein (p.Asp16Gly).

Ambry Genetics
Classification: Uncertain significance for Cardiovascular phenotype. Last evaluated: 2023-04-17. Review status: criteria provided, single submitter. Criteria: Ambry Variant Classification Scheme 2023. Collection method: clinical testing. Allele origin: germline.
Comment: The p.D16G variant (also known as c.47A>G), located in coding exon 1 of the KCNH2 gene, results from an A to G substitution at nucleotide position 47. The aspartic acid at codon 16 is replaced by glycine, an amino acid with similar properties. This amino acid position is well conserved in available vertebrate species. In addition, the in silico prediction for this alteration is inconclusive. Since supporting evidence is limited at this time, the clinical significance of this alteration remains unclear.